The following is an entry in ClinVar:

NM_000038.6(APC):c.3386T>C (p.Leu1129Ser)

Gene: APC (APC regulator of Wnt signaling pathway; plus strand). Cytogenetic location: 5q22.2.
Variant type: single nucleotide variant.
Coding change: c.3386T>C on transcript NM_000038.6 (MANE Select); coding-DNA position 3386, T replaced by C.
Protein change: p.Leu1129Ser; replaces leucine 1129 with serine.
Molecular consequence: missense variant.
Genome position (GRCh38, 1-based): chr5:112,838,980, T>C. VCF-style: chr5-112838980-T-C. GRCh37 (hg19) VCF-style: chr5-112174677-T-C.
Other names: p.L1129S:TTG>TCG; CCDS4107.1:c.3386T>C; c.3386T>C, p.Leu1129Ser (NM_001127510.3, NM_001354895.2); c.3332T>C, p.Leu1111Ser (NM_001127511.3); c.3440T>C, p.Leu1147Ser (NM_001354896.2); c.3416T>C, p.Leu1139Ser (NM_001354897.2); c.3311T>C, p.Leu1104Ser (NM_001354898.2); c.3302T>C, p.Leu1101Ser (NM_001354899.2); and 7 more; short protein forms L1129S, L1111S, L1104S, L1003S, L1088S, L1147S, L846S, L969S.
Identifiers: ClinVar variation 41502 (VCV000041502.96), dbSNP rs143638171, ClinGen allele CA008351.

ClinVar aggregate classification (germline): Benign/Likely benign. Review status: criteria provided, multiple submitters, no conflicts (2 of 4 stars). 32 submissions from 32 submitters: Benign (14); Likely benign (7). 11 of the submissions do not count toward it. Last evaluated 2026-09-01.

Conditions:
Classic or attenuated familial adenomatous polyposis. Identifiers: MedGen CN372698, MONDO:0021057.
APC-Associated Polyposis Disorders.
Hereditary cancer-predisposing syndrome. Also called: Neoplastic Syndromes, Hereditary; Tumor predisposition; Hereditary Cancer Syndrome; Hereditary neoplastic syndrome. Identifiers: Orphanet 140162, MedGen C0027672, MeSH D009386, MONDO:0015356.
Familial multiple polyposis syndrome (FAP). Also called: Familial polyposis; Familial adenomatous polyposis; Familial intestinal polyposis; Familial Adenomatous Polyposis (FAP); Classic familial adenomatous polyposis. Identifiers: Orphanet 733, MedGen C0032580, MONDO:0021055. Disease mechanism: loss of function.
Familial adenomatous polyposis 1 (FAP1). Also called: POLYPOSIS, ADENOMATOUS INTESTINAL; FAMILIAL ADENOMATOUS POLYPOSIS 1, ATTENUATED. Identifiers: MedGen C2713442, MONDO:0021056, OMIM 175100. Disease mechanism: loss of function.
Carcinoma of colon (CRC). Also called: Colon carcinoma; Colonic carcinoma. Identifiers: MedGen C0699790, MONDO:0002032.

Allele frequency attached by ClinVar (database versions not stated): 1000 Genomes Project 0.00100; gnomAD 0.00250 and 0.00232; 1000 Genomes Project 30x 0.00078; gnomAD exomes 0.00187 and 0.00436; ExAC 0.00162; TOPMed 0.00244; ESP Exome Variant Server 0.00238.
gnomAD v4.1: 6,710 of 1,614,108 alleles (0.42%); highest among the groups gnomAD compares: Non-Finnish European, 0.53%; 23 homozygotes.

Submissions 1 to 23 of 32:

CeGaT Center for Human Genetics Tuebingen
Classification: Benign. Last evaluated: 2026-09-01. Review status: criteria provided, single submitter. Criteria: CeGaT Center For Human Genetics Tuebingen Variant Classification Criteria Version 2. Collection method: clinical testing. Allele origin: germline. Affected: yes. Observed: 31 variant alleles.
Comment: APC: BS1, BS2

Labcorp Genetics (formerly Invitae), Labcorp
Classification: Benign for Familial adenomatous polyposis 1. Last evaluated: 2026-02-04. Review status: criteria provided, single submitter. Criteria: Invitae Variant Classification Sherloc (09022015). Collection method: clinical testing. Allele origin: germline.

ARUP Laboratories, Molecular Genetics and Genomics, ARUP Laboratories
Classification: Benign. Last evaluated: 2025-07-17. Review status: criteria provided, single submitter. Criteria: ARUP Molecular Germline Variant Investigation Process 2024. Collection method: clinical testing. Allele origin: germline.

Laboratorio de I+D, Fundación Centro Médico de Asturias
Classification: Benign for Hereditary cancer-predisposing syndrome. Last evaluated: 2025-07-07. Review status: criteria provided, single submitter. Criteria: ACMG Guidelines, 2015. Collection method: clinical testing. Allele origin: germline.
Comment: BS2+BP4_Moderate+BP1+BP5

Center for Genomic Medicine, Rigshospitalet, Copenhagen University Hospital
Classification: Likely benign. Last evaluated: 2025-03-04. Review status: criteria provided, single submitter. Criteria: ACMG Guidelines, 2015. Collection method: clinical testing. Allele origin: germline.

Blueprint Genetics
Classification: Likely benign. Last evaluated: 2024-11-21. Review status: criteria provided, single submitter. Criteria: ACMG Guidelines, 2015. Collection method: clinical testing. Allele origin: germline.

All of Us Research Program, National Institutes of Health
Classification: Benign for Classic or attenuated familial adenomatous polyposis. Last evaluated: 2024-09-23. Review status: criteria provided, single submitter. Criteria: ACMG Guidelines, 2015. Collection method: clinical testing. Allele origin: germline. Inheritance: Autosomal dominant inheritance. Observed: 859 variant alleles, 859 heterozygotes.
Comment: This study involves interpretation of variants in research participants for the purpose of population health screening. Participant phenotype was not available at the time of variant classification. Additional details can be found in publication PMID: 35346344, PMCID: PMC8962531

Institute for Biomarker Research, Medical Diagnostic Laboratories, L.L.C.
Classification: Benign for Hereditary cancer-predisposing syndrome. Last evaluated: 2023-09-21. Review status: criteria provided, single submitter. Criteria: ACMG Guidelines, 2015. Collection method: clinical testing. Allele origin: germline.

Mayo Clinic Laboratories, Mayo Clinic
Classification: Benign. Last evaluated: 2023-05-03. Review status: criteria provided, single submitter. Criteria: ACMG Guidelines, 2015. Collection method: clinical testing. Allele origin: germline. Observed: 4 variant alleles.
Comment: BS1, BP5

Institute for Clinical Genetics, University Hospital TU Dresden, University Hospital TU Dresden
Classification: Likely benign. Last evaluated: 2021-11-03. Review status: criteria provided, single submitter. Criteria: ACMG Guidelines, 2015. Collection method: clinical testing. Allele origin: germline.

Genetic Services Laboratory, University of Chicago
Classification: Benign. Last evaluated: 2021-06-17. Review status: criteria provided, single submitter. Criteria: ACMG Guidelines, 2015. Collection method: clinical testing. Allele origin: germline. Affected: no.

Sema4
Classification: Benign for Hereditary cancer-predisposing syndrome. Last evaluated: 2020-09-17. Review status: criteria provided, single submitter. Criteria: Sema4 Curation Guidelines. Collection method: curation. Allele origin: germline.

GeneDx
Classification: Benign. Last evaluated: 2018-07-03. Review status: criteria provided, single submitter. Criteria: GeneDx Variant Classification Process June 2021. Collection method: clinical testing. Allele origin: germline. Affected: yes.
Comment: This variant is associated with the following publications: (PMID: 24599579, 22703879, 18199528, 22987206, 28608266, 25490678, 15122587, 22327622, 24728327, 21859464, 20223039, 20233475, 27153395, 28526081, 19029688, 22875147, 30361844)

Mendelics
Classification: Likely benign for Familial adenomatous polyposis 1. Last evaluated: 2018-07-02. Review status: criteria provided, single submitter. Criteria: Mendelics Assertion Criteria 2017. Collection method: clinical testing. Allele origin: unknown.

Illumina Laboratory Services, Illumina
Classification: Likely benign for APC-Associated Polyposis Disorders. Last evaluated: 2018-06-12. Review status: criteria provided, single submitter. Criteria: ICSL Variant Classification Criteria 13 December 2019. Collection method: clinical testing. Allele origin: germline.
Comment: This variant was observed as part of a predisposition screen in an ostensibly healthy population. A literature search was performed for the gene, cDNA change, and amino acid change (where applicable). No publications were found based on this search. Allele frequency data from public databases allowed determination this variant is unlikely to cause disease. Therefore, this variant is classified as likely benign.

Center for Pediatric Genomic Medicine, Children's Mercy Hospital and Clinics
Classification: Likely benign. Last evaluated: 2017-03-20. Review status: criteria provided, single submitter. Criteria: ACMG Guidelines, 2015. Collection method: clinical testing. Allele origin: germline.

Women's Health and Genetics/Laboratory Corporation of America, LabCorp
Classification: Likely benign. Last evaluated: 2016-09-02. Review status: criteria provided, single submitter. Criteria: LabCorp Variant Classification Summary - May 2015. Collection method: clinical testing. Allele origin: germline.
Comment: Variant summary: This c.3386T>C variant affects a conserved nucleotide, resulting in amino acid change from Leu to Ser. 2/3 in-silico tools used predict this variant to be damaging. This variant was found in 204/121934 control chromosomes including the broad and large populations from ExAC at a frequency of 0.001673, which is more than 27 times greater than the maximal expected frequency of a pathogenic allele (0.0000602) in this gene, suggesting this variant is benign. The variant particularly more common in European (Non-Finnish) population with allele frequency of 0.25% (171/66304 chromosomes) including two homozygotes. The variant has also been reported in cancer patients in literature, mainly of CRC and FAP patients, without strong evidence for causality. One reputable database (UMD) reports this variants co-occurrence in trans with complete APC gene deletion strongly suggesting for a benign outcome. In addition, the same database also reports finding of this variant in an unaffected relative, possibly suggesting a lack of cosegregation. In a small case-control study, this variant did not lead to an increased risk of CRC (Zhou_2004). Multiple clinical labs have classified this variant as benign/likely benign (4 labs) to uncertain significance (1 lab). Taken together, this variant has currently been classified as likely benign.

Color Diagnostics, LLC DBA Color Health
Classification: Benign for Hereditary cancer-predisposing syndrome. Last evaluated: 2016-03-21. Review status: criteria provided, single submitter. Criteria: ACMG Guidelines, 2015. Collection method: clinical testing. Allele origin: germline.

Ambry Genetics
Classification: Benign for Hereditary cancer-predisposing syndrome. Last evaluated: 2014-08-11. Review status: criteria provided, single submitter. Criteria: Ambry Variant Classification Scheme 2023. Collection method: clinical testing. Allele origin: germline.

Eurofins Ntd Llc (ga)
Classification: Benign. Last evaluated: 2013-07-02. Review status: criteria provided, single submitter. Criteria: EGL Classification Definitions 2015. Collection method: clinical testing. Allele origin: germline. Observed: 1 variant allele, 1 heterozygote.

PreventionGenetics, part of Exact Sciences
Classification: Benign. Review status: criteria provided, single submitter. Criteria: ACMG Guidelines, 2015. Collection method: clinical testing. Allele origin: germline.

True Health Diagnostics
Classification: Likely benign for Hereditary cancer-predisposing syndrome. Last evaluated: 2017-10-16. Review status: no assertion criteria provided. Collection method: clinical testing. Allele origin: germline. Not counted in ClinVar's aggregate classification.

ITMI
No classification provided. Condition: AllHighlyPenetrant. Last evaluated: 2013-09-19. Review status: no classification provided. Collection method: reference population. Allele origin: germline. Not counted in ClinVar's aggregate classification.
Comment: Please see associated publication for description of ethnicities